The following is an entry in ClinVar:

NM_182914.3(SYNE2):c.8698A>G (p.Asn2900Asp)

Gene: SYNE2 (spectrin repeat containing nuclear envelope protein 2; plus strand). Cytogenetic location: 14q23.2.
Variant type: single nucleotide variant.
Coding change: c.8698A>G on transcript NM_182914.3 (MANE Select); coding-DNA position 8698, A replaced by G.
Protein change: p.Asn2900Asp; replaces asparagine 2900 with aspartic acid.
Molecular consequence: missense variant.
Genome position (GRCh38, 1-based): chr14:64,052,611, A>G. VCF-style: chr14-64052611-A-G. GRCh37 (hg19) VCF-style: chr14-64519329-A-G.
Other names: c.8698A>G, p.Asn2900Asp (NM_015180.6); short protein forms N2900D.
Identifiers: ClinVar variation 2720644 (VCV002720644.4), dbSNP rs558451144, ClinGen allele CA7221149.
Genomic context (GRCh38, chr14:64,052,611, plus strand): 5'-TCTCAGAAGGAATTGCAAGAAATTGACAGTGGAATCTCAACACATCTTCAGGAGCTAACA[A>G]ACATCTATGAGGAGCTGAATGTGTTTGAAAGATTATTTCTGGAAGATCAGTTGAAAAATC-3'
Protein context (NP_878918.2, residues 2890-2910): GISTHLQELT[Asn2900Asp]IYEELNVFER

ClinVar aggregate classification (germline): Uncertain significance. Review status: criteria provided, multiple submitters, no conflicts (2 of 4 stars). 2 submissions from 2 submitters: Uncertain significance (2). Last evaluated 2026-07-01.

Conditions:
Emery-Dreifuss muscular dystrophy 5, autosomal dominant (EDMD5). Also called: EMERY-DREIFUSS MUSCULAR DYSTROPHY 5. Identifiers: Orphanet 261, MedGen C2751805, MONDO:0013072, OMIM 612999.

Allele frequency attached by ClinVar (database versions not stated): TOPMed below 0.00001; gnomAD 0.00001; 1000 Genomes Project 30x 0.00016; 1000 Genomes Project 0.00020.
gnomAD v4.1: 10 of 1,614,142 alleles (0.00062%); highest among the groups gnomAD compares: South Asian, 0.0033%; no homozygotes.

Submissions (2):

CeGaT Center for Human Genetics Tuebingen
Classification: Uncertain significance. Last evaluated: 2026-07-01. Review status: criteria provided, single submitter. Criteria: CeGaT Center For Human Genetics Tuebingen Variant Classification Criteria Version 2. Collection method: clinical testing. Allele origin: germline. Affected: yes. Observed: 1 variant allele.
Comment: SYNE2: PM2:Supporting, BP4

Labcorp Genetics (formerly Invitae), Labcorp
Classification: Uncertain significance for Emery-Dreifuss muscular dystrophy 5, autosomal dominant. Last evaluated: 2024-01-02. Review status: criteria provided, single submitter. Criteria: Invitae Variant Classification Sherloc (09022015). Collection method: clinical testing. Allele origin: germline.
Comment: This sequence change replaces asparagine, which is neutral and polar, with aspartic acid, which is acidic and polar, at codon 2900 of the SYNE2 protein (p.Asn2900Asp). This variant is present in population databases (rs558451144, gnomAD 0.01%). This variant has not been reported in the literature in individuals affected with SYNE2-related conditions. Algorithms developed to predict the effect of missense changes on protein structure and function output the following: SIFT: "Not Available"; PolyPhen-2: "Benign"; Align-GVGD: "Not Available". The aspartic acid amino acid residue is found in multiple mammalian species, which suggests that this missense change does not adversely affect protein function. In summary, the available evidence is currently insufficient to determine the role of this variant in disease. Therefore, it has been classified as a Variant of Uncertain Significance.